The following is an entry in ClinVar:

NM_024989.4(PGAP1):c.2401C>T (p.His801Tyr)

Gene: PGAP1 (post-GPI attachment to proteins inositol deacylase 1; minus strand). Cytogenetic location: 2q33.1.
Variant type: single nucleotide variant.
Coding change: c.2401C>T on transcript NM_024989.4 (MANE Select); coding-DNA position 2401, C replaced by T.
Protein change: p.His801Tyr; replaces histidine 801 with tyrosine.
Molecular consequence: missense variant.
Genome position (GRCh38, 1-based): chr2:196,844,012, G>A on the plus strand (C>T on the coding strand, the complement: PGAP1 is on the minus strand). VCF-style: chr2-196844012-G-A. GRCh37 (hg19) VCF-style: chr2-197708736-G-A.
Other names: c.1879C>T, p.His627Tyr (NM_001321099.2); c.1234C>T, p.His412Tyr (NM_001321100.2); short protein forms H412Y, H627Y, H801Y.
Identifiers: ClinVar variation 4807675 (VCV004807675.1).

ClinVar aggregate classification (germline): Uncertain significance (1 of 4 stars; one submission).

Conditions:
Intellectual disability, autosomal recessive 42 (NEDDSBA). Also called: Neurodevelopmental disorder with dysmorphic features, spasticity, and brain abnormalities; GLYCOSYLPHOSPHATIDYLINOSITOL BIOSYNTHESIS DEFECT 9. Identifiers: Orphanet 88616, MedGen C4014343, MONDO:0014348, OMIM 615802.

gnomAD v4.1: 33 of 1,606,276 alleles (0.0021%); highest among the groups gnomAD compares: Middle Eastern, 0.017%; no homozygotes.

Submission:

Labcorp Genetics (formerly Invitae), Labcorp
Classification: Uncertain significance for Intellectual disability, autosomal recessive 42. Last evaluated: 2025-06-12. Review status: criteria provided, single submitter. Criteria: Invitae Variant Classification Sherloc (09022015). Collection method: clinical testing. Allele origin: germline.
Comment: This sequence change replaces histidine, which is basic and polar, with tyrosine, which is neutral and polar, at codon 801 of the PGAP1 protein (p.His801Tyr). This variant is present in population databases (rs143253730, gnomAD 0.01%). This variant has not been reported in the literature in individuals affected with PGAP1-related conditions. An algorithm developed to predict the effect of missense changes on protein structure and function outputs the following: PolyPhen-2: "Benign". The tyrosine amino acid residue is found in multiple mammalian species, which suggests that this missense change does not adversely affect protein function. In summary, the available evidence is currently insufficient to determine the role of this variant in disease. Therefore, it has been classified as a Variant of Uncertain Significance.